The following is an entry in ClinVar:

NM_000135.4(FANCA):c.1324C>A (p.Pro442Thr)

Gene: FANCA (FA complementation group A; minus strand). Cytogenetic location: 16q24.3.
Variant type: single nucleotide variant.
Coding change: c.1324C>A on transcript NM_000135.4 (MANE Select); coding-DNA position 1324, C replaced by A.
Protein change: p.Pro442Thr; replaces proline 442 with threonine.
Molecular consequence: missense variant.
Genome position (GRCh38, 1-based): chr16:89,791,438, G>T on the plus strand (C>A on the coding strand, the complement: FANCA is on the minus strand). VCF-style: chr16-89791438-G-T. GRCh37 (hg19) VCF-style: chr16-89857846-G-T.
Other names: c.1324C>A, p.Pro442Thr (NM_001286167.3); short protein forms P442T.
Identifiers: ClinVar variation 4022311 (VCV004022311.1).

ClinVar aggregate classification (germline): Uncertain significance (1 of 4 stars; one submission).

Conditions:
Inborn genetic diseases. Identifiers: MedGen C0950123, MeSH D030342.

Submission:

Ambry Genetics
Classification: Uncertain significance for Inborn genetic diseases. Last evaluated: 2025-05-24. Review status: criteria provided, single submitter. Criteria: Ambry Variant Classification Scheme 2023. Collection method: clinical testing. Allele origin: germline.
Comment: The p.P442T variant (also known as c.1324C>A), located in coding exon 14 of the FANCA gene, results from a C to A substitution at nucleotide position 1324. The proline at codon 442 is replaced by threonine, an amino acid with highly similar properties. This amino acid position is conserved. In addition, this alteration is predicted to be deleterious by in silico analysis. Based on the available evidence, the clinical significance of this variant remains unclear.